The following is an entry in ClinVar:

NM_000238.4(KCNH2):c.1316del (p.Gly439fs)

Gene: KCNH2 (potassium voltage-gated channel subfamily H member 2; minus strand). Cytogenetic location: 7q36.1.
Variant type: Deletion.
Coding change: c.1316del on transcript NM_000238.4 (MANE Select); coding-DNA position 1316, one base deleted (G; older notation c.1316delG).
Protein change: p.Gly439fs; shifts the reading frame from glycine 439.
Molecular consequence: frameshift variant.
Genome position (GRCh38, 1-based): chr7:150,952,666, C deleted on the plus strand (G on the coding strand, the reverse complement: KCNH2 is on the minus strand); the first of 2 consecutive C bases (chr7:150,952,666-150,952,667); deleting either gives the same sequence. VCF-style (leftmost placement, unchanged base first): chr7-150952665-GC-G. GRCh37 (hg19) VCF-style: chr7-150649753-GC-G.
Other names: c.296del, p.Gly99fs (NM_001204798.2, NM_172057.3); c.1027delG, p.Gly343Alafs (NM_001406753.1, NM_001406756.1); c.1138delG, p.Gly380Alafs (NM_001406755.1); c.1015delG, p.Gly339Alafs (NM_001406757.1); c.1315delG, p.Gly439Alafs (NM_172056.3); short protein forms G439fs, G99fs.
Identifiers: ClinVar variation 200632 (VCV000200632.4), dbSNP rs794728435, ClinGen allele CA004447.
Genomic context (GRCh38, chr7:150,952,665, plus strand): 5'-CACGATGAGGTCCACCACAGCCAGCGGCTGGCAGGCGTAGCCACACTCGGTAGCAGGCGG[GC>G]CTTCTTCCGTCTCCTTCAGCAGGAAGGCAGCCGAGTAGGGTGTGAAGACAGCCGTGTAGA-3'

ClinVar aggregate classification (germline): Pathogenic (1 of 4 stars; one submission).

Submission:

GeneDx
Classification: Pathogenic. Last evaluated: 2013-11-20. Review status: criteria provided, single submitter. Criteria: GeneDx Variant Classification (06012015). Collection method: clinical testing. Allele origin: germline. Affected: yes.
Comment: The c.1316delG mutation in the KCNH2 gene has been reported in one individual referred for LQTS testing and was not present in >2600 control alleles in this study (Kapplinger J et al, 2009). This mutation causes a shift in reading frame starting at codon Glycine 439, changing it to a Alanine, and creating a premature stop codon at position 82 of the new reading frame, denoted p.Gly439AlafsX82. This mutation is expected to result in either an abnormal, truncated protein product or loss of protein from this allele through nonsense-mediated mRNA decay. Other frameshift mutations in the KCNH2 gene have been reported in association with LQTS.